The following is an entry in ClinVar:

NM_006231.4(POLE):c.6179C>A (p.Thr2060Asn)

Gene: POLE (DNA polymerase epsilon, catalytic subunit; minus strand). Cytogenetic location: 12q24.33.
Variant type: single nucleotide variant.
Coding change: c.6179C>A on transcript NM_006231.4 (MANE Select); coding-DNA position 6179, C replaced by A.
Protein change: p.Thr2060Asn; replaces threonine 2060 with asparagine.
Molecular consequence: missense variant.
Genome position (GRCh38, 1-based): chr12:132,632,466, G>T on the plus strand (C>A on the coding strand, the complement: POLE is on the minus strand). VCF-style: chr12-132632466-G-T. GRCh37 (hg19) VCF-style: chr12-133209052-G-T.
Other names: c.6179C>A (NM_006231.2); short protein forms T2060N.
Identifiers: ClinVar variation 473785 (VCV000473785.9), dbSNP rs761423995, ClinGen allele CA387369872.

ClinVar aggregate classification (germline): Uncertain significance. Review status: criteria provided, multiple submitters, no conflicts (2 of 4 stars). 2 submissions from 2 submitters: Uncertain significance (2). Last evaluated 2026-01-06.

Conditions:
Hereditary cancer-predisposing syndrome. Also called: Neoplastic Syndromes, Hereditary; Tumor predisposition; Hereditary neoplastic syndrome; Hereditary Cancer Syndrome. Identifiers: Orphanet 140162, MedGen C0027672, MeSH D009386, MONDO:0015356.

Submissions (2):

Ambry Genetics
Classification: Uncertain significance for Hereditary cancer-predisposing syndrome. Last evaluated: 2026-01-06. Review status: criteria provided, single submitter. Criteria: Ambry Variant Classification Scheme 2023. Collection method: clinical testing. Allele origin: germline.
Comment: The p.T2060N variant (also known as c.6179C>A), located in coding exon 45 of the POLE gene, results from a C to A substitution at nucleotide position 6179. The threonine at codon 2060 is replaced by asparagine, an amino acid with similar properties. This amino acid position is highly conserved in available vertebrate species. In addition, this alteration is predicted to be tolerated by in silico analysis. Based on the available evidence, the clinical significance of this variant remains unclear.

Labcorp Genetics (formerly Invitae), Labcorp
Classification: Uncertain significance. Last evaluated: 2024-08-16. Review status: criteria provided, single submitter. Criteria: Invitae Variant Classification Sherloc (09022015). Collection method: clinical testing. Allele origin: germline.
Comment: This sequence change replaces threonine, which is neutral and polar, with asparagine, which is neutral and polar, at codon 2060 of the POLE protein (p.Thr2060Asn). This variant is not present in population databases (gnomAD no frequency). This variant has not been reported in the literature in individuals affected with POLE-related conditions. ClinVar contains an entry for this variant (Variation ID: 473785). Invitae Evidence Modeling of protein sequence and biophysical properties (such as structural, functional, and spatial information, amino acid conservation, physicochemical variation, residue mobility, and thermodynamic stability) indicates that this missense variant is not expected to disrupt POLE protein function with a negative predictive value of 80%. In summary, the available evidence is currently insufficient to determine the role of this variant in disease. Therefore, it has been classified as a Variant of Uncertain Significance.